The following is an entry in ClinVar:

ClinVar aggregate classification (germline): Uncertain significance. Review status: criteria provided, multiple submitters, no conflicts (2 of 4 stars). 2 submissions from 2 submitters: Uncertain significance (2). Last evaluated 2025-06-25.

Conditions:
Multiple endocrine neoplasia, type 2 (MEN2). Identifiers: Orphanet 653, MedGen C4048306, MONDO:0019003. Disease mechanism: gain of function.
Hereditary cancer-predisposing syndrome. Also called: Neoplastic Syndromes, Hereditary; Tumor predisposition; Hereditary neoplastic syndrome; Hereditary Cancer Syndrome. Identifiers: Orphanet 140162, MedGen C0027672, MeSH D009386, MONDO:0015356.

Allele frequency attached by ClinVar (database versions not stated): gnomAD exomes below 0.00001.

Submissions (2):

Ambry Genetics
Classification: Uncertain significance for Hereditary cancer-predisposing syndrome. Last evaluated: 2025-06-25. Review status: criteria provided, single submitter. Criteria: Ambry Variant Classification Scheme 2023. Collection method: clinical testing. Allele origin: germline.
Comment: The p.P181L variant (also known as c.542C>T), located in coding exon 3 of the RET gene, results from a C to T substitution at nucleotide position 542. The proline at codon 181 is replaced by leucine, an amino acid with similar properties. This amino acid position is highly conserved in available vertebrate species. In addition, this alteration is predicted to be tolerated by in silico analysis. Based on the available evidence, the clinical significance of this variant remains unclear.

Labcorp Genetics (formerly Invitae), Labcorp
Classification: Uncertain significance for Multiple endocrine neoplasia, type 2. Last evaluated: 2025-05-28. Review status: criteria provided, single submitter. Criteria: Invitae Variant Classification Sherloc (09022015). Collection method: clinical testing. Allele origin: germline.
Comment: This sequence change replaces proline, which is neutral and non-polar, with leucine, which is neutral and non-polar, at codon 181 of the RET protein (p.Pro181Leu). This variant is not present in population databases (gnomAD no frequency). This variant has not been reported in the literature in individuals affected with RET-related conditions. ClinVar contains an entry for this variant (Variation ID: 825727). An algorithm developed to predict the effect of missense changes on protein structure and function (PolyPhen-2) suggests that this variant is likely to be disruptive. In summary, the available evidence is currently insufficient to determine the role of this variant in disease. Therefore, it has been classified as a Variant of Uncertain Significance.

NM_020975.6(RET):c.542C>T (p.Pro181Leu)

Gene: RET (ret proto-oncogene; plus strand). Cytogenetic location: 10q11.21.
Variant type: single nucleotide variant.
Coding change: c.542C>T on transcript NM_020975.6 (MANE Select); coding-DNA position 542, C replaced by T.
Protein change: p.Pro181Leu; replaces proline 181 with leucine.
Molecular consequence: missense variant.
Genome position (GRCh38, 1-based): chr10:43,102,546, C>T. VCF-style: chr10-43102546-C-T. GRCh37 (hg19) VCF-style: chr10-43597994-C-T.
Other names: c.542C>T, p.Pro181Leu (NM_000323.2, NM_001406743.1, NM_001406744.1 and 16 more transcripts); c.413C>T, p.Pro138Leu (NM_001406761.1, NM_001406762.1, NM_001406764.1 and 4 more transcripts); short protein forms P181L, P138L.
Identifiers: ClinVar variation 825727 (VCV000825727.8), dbSNP rs1588864107, ClinGen allele CA376543436.